The following is an entry in ClinVar:

NM_173076.3(ABCA12):c.6287del (p.Gly2096fs)

Genes: ABCA12 (ATP binding cassette subfamily A member 12; minus strand), SNHG31 (small nucleolar RNA host gene 31; plus strand). Cytogenetic location: 2q35.
Variant type: Deletion.
Coding change: c.6287del on transcript NM_173076.3 (MANE Select); coding-DNA position 6287, one base deleted (G; older notation c.6287delG).
Protein change: p.Gly2096fs; shifts the reading frame from glycine 2096.
Molecular consequence: frameshift variant. On other transcripts: non-coding transcript variant (1).
Genome position (GRCh38, 1-based): chr2:214,955,308, C deleted on the plus strand (G on the coding strand, the reverse complement: ABCA12 is on the minus strand); the first of 2 consecutive C bases (chr2:214,955,308-214,955,309); deleting either gives the same sequence. VCF-style (leftmost placement, unchanged base first): chr2-214955307-TC-T. GRCh37 (hg19) VCF-style: chr2-215820031-TC-T.
Other names: c.5333del, p.Gly1778fs (NM_015657.4); short protein forms G2096fs, G1778fs.
Identifiers: ClinVar variation 2745777 (VCV002745777.3), dbSNP rs2469159422, ClinGen allele CA2697550348.
Genomic context (GRCh38, chr2:214,955,307, plus strand): 5'-GGAAACAATGGAATTAATGCCAAAAAACAAGTTGACACAGACGTAAGTGATGAAGGCCAT[TC>T]CTGTTTCATGGAAGAGCCCAGCCAGCAAGTACATCCAGGAAAATGTTGCATACCTGCAGG-3'

ClinVar aggregate classification (germline): Pathogenic (1 of 4 stars; one submission).

Submission:

Labcorp Genetics (formerly Invitae), Labcorp
Classification: Pathogenic. Last evaluated: 2023-07-21. Review status: criteria provided, single submitter. Criteria: Invitae Variant Classification Sherloc (09022015). Collection method: clinical testing. Allele origin: germline.
Comment: For these reasons, this variant has been classified as Pathogenic. This variant has not been reported in the literature in individuals affected with ABCA12-related conditions. This variant is not present in population databases (gnomAD no frequency). This sequence change creates a premature translational stop signal (p.Gly2096Glufs*38) in the ABCA12 gene. It is expected to result in an absent or disrupted protein product. Loss-of-function variants in ABCA12 are known to be pathogenic (PMID: 20672373).

Literature cited by the submitters: PubMed 20672373.